The following is an entry in ClinVar:

NM_002439.5(MSH3):c.2084+3A>G

Gene: MSH3 (mutS homolog 3; plus strand). Cytogenetic location: 5q14.1.
Variant type: single nucleotide variant.
Coding change: c.2084+3A>G on transcript NM_002439.5 (MANE Select); 3 bases into the intron after coding-DNA position 2084, A replaced by G.
Molecular consequence: intron variant.
Genome position (GRCh38, 1-based): chr5:80,768,123, A>G. VCF-style: chr5-80768123-A-G. GRCh37 (hg19) VCF-style: chr5-80063942-A-G.
Identifiers: ClinVar variation 1348999 (VCV001348999.8), dbSNP rs2112884589, ClinGen allele CA2573139897.
Genomic context (GRCh38, chr5:80,768,123, plus strand): 5'-CTGAACTCCTCAGTCCAGTGGAGCATTACTTAAAGATACTCAATGAACAAGCTGCCAAGT[A>G]AGTACCAGACCCTGAATTCTTCCTTTTCACCAGTCAGTATAATTCAGTGCATTTGCCATT-3'

ClinVar aggregate classification (germline): Uncertain significance. Review status: criteria provided, multiple submitters, no conflicts (2 of 4 stars). 2 submissions from 2 submitters: Uncertain significance (2). Last evaluated 2022-09-29.

Conditions:
Hereditary cancer-predisposing syndrome. Also called: Hereditary neoplastic syndrome; Tumor predisposition; Neoplastic Syndromes, Hereditary; Hereditary Cancer Syndrome. Identifiers: Orphanet 140162, MedGen C0027672, MeSH D009386, MONDO:0015356.

gnomAD v4.1: 1 of 1,612,956 alleles (0.000062%); no homozygotes.

Submissions (2):

Ambry Genetics
Classification: Uncertain significance for Hereditary cancer-predisposing syndrome. Last evaluated: 2022-09-29. Review status: criteria provided, single submitter. Criteria: Ambry Variant Classification Scheme 2023. Collection method: clinical testing. Allele origin: germline.
Comment: The c.2084+3A>G intronic variant results from an A to G substitution 3 nucleotides after coding exon 14 in the MSH3 gene. This nucleotide position is highly conserved in available vertebrate species. In silico splice site analysis predicts that this alteration will not have any significant effect on splicing. Since supporting evidence is limited at this time, the clinical significance of this alteration remains unclear.

Labcorp Genetics (formerly Invitae), Labcorp
Classification: Uncertain significance. Last evaluated: 2022-09-19. Review status: criteria provided, single submitter. Criteria: Invitae Variant Classification Sherloc (09022015). Collection method: clinical testing. Allele origin: germline.
Comment: In summary, the available evidence is currently insufficient to determine the role of this variant in disease. Therefore, it has been classified as a Variant of Uncertain Significance. Variants that disrupt the consensus splice site are a relatively common cause of aberrant splicing (PMID: 17576681, 9536098). Algorithms developed to predict the effect of sequence changes on RNA splicing suggest that this variant is not likely to affect RNA splicing. ClinVar contains an entry for this variant (Variation ID: 1348999). This variant has not been reported in the literature in individuals affected with MSH3-related conditions. This variant is not present in population databases (gnomAD no frequency). This sequence change falls in intron 14 of the MSH3 gene. It does not directly change the encoded amino acid sequence of the MSH3 protein. It affects a nucleotide within the consensus splice site.

Literature cited by the submitters: PubMed 17576681 (cited by Labcorp Genetics (formerly Invitae), Labcorp); PubMed 9536098 (cited by Labcorp Genetics (formerly Invitae), Labcorp).